The following is an entry in ClinVar:

ClinVar aggregate classification (germline): Uncertain significance (1 of 4 stars; one submission).

Conditions:
Tuberous sclerosis 2 (TSC2). Identifiers: Orphanet 805, MedGen C1860707, MONDO:0013199, OMIM 613254.

Submission:

Labcorp Genetics (formerly Invitae), Labcorp
Classification: Uncertain significance for Tuberous sclerosis 2. Last evaluated: 2023-03-12. Review status: criteria provided, single submitter. Criteria: Invitae Variant Classification Sherloc (09022015). Collection method: clinical testing. Allele origin: germline.
Comment: This variant is not present in population databases (gnomAD no frequency). This sequence change replaces glutamic acid, which is acidic and polar, with aspartic acid, which is acidic and polar, at codon 392 of the TSC2 protein (p.Glu392Asp). This variant has not been reported in the literature in individuals affected with TSC2-related conditions. In summary, the available evidence is currently insufficient to determine the role of this variant in disease. Therefore, it has been classified as a Variant of Uncertain Significance. Advanced modeling of protein sequence and biophysical properties (such as structural, functional, and spatial information, amino acid conservation, physicochemical variation, residue mobility, and thermodynamic stability) performed at Invitae indicates that this missense variant is not expected to disrupt TSC2 protein function.

NM_000548.5(TSC2):c.1176G>T (p.Glu392Asp)

Gene: TSC2 (TSC complex subunit 2; plus strand). Cytogenetic location: 16p13.3.
Variant type: single nucleotide variant.
Coding change: c.1176G>T on transcript NM_000548.5 (MANE Select); coding-DNA position 1176, G replaced by T.
Protein change: p.Glu392Asp; replaces glutamic acid 392 with aspartic acid.
Molecular consequence: missense variant. On other transcripts: non-coding transcript variant (5), 5 prime UTR variant (10).
Genome position (GRCh38, 1-based): chr16:2,061,927, G>T. VCF-style: chr16-2061927-G-T. GRCh37 (hg19) VCF-style: chr16-2111928-G-T.
Other names: c.1176G>T, p.Glu392Asp (NM_021055.3, NM_001077183.3, NM_001114382.3 and 6 more transcripts); c.576G>T, p.Glu192Asp (NM_001406686.1, NM_001406687.1, NM_001406688.1 and 6 more transcripts); c.-169G>T (NM_001406689.1, NM_001406690.1, NM_001406691.1 and 4 more transcripts); c.-137G>T (NM_001406694.1, NM_001406695.1); c.-345G>T (NM_001406698.1); c.1065G>T, p.Glu355Asp (NM_001318827.2, NM_001406670.1, NM_001406678.1); c.1029G>T, p.Glu343Asp (NM_001318829.2, NM_001406675.1, NM_001406676.1 and 1 more transcripts); c.1209G>T, p.Glu403Asp (NM_001318832.2); and 4 more; short protein forms E238D, E343D, E355D, E192D, E373D, E392D, E388D, E422D.
Identifiers: ClinVar variation 2842959 (VCV002842959.3), dbSNP rs2151155407, ClinGen allele CA394320403.